The following is an entry in ClinVar:

NM_080425.4(GNAS):c.1822C>A (p.Leu608Ile)

Gene: GNAS (GNAS complex locus; plus strand). Cytogenetic location: 20q13.32.
Variant type: single nucleotide variant.
Coding change: c.1822C>A on transcript NM_080425.4 (MANE Plus Clinical); coding-DNA position 1822, C replaced by A.
Protein change: p.Leu608Ile; replaces leucine 608 with isoleucine.
Molecular consequence: missense variant. On other transcripts: nonsense (2), intron variant (3).
Genome position (GRCh38, 1-based): chr20:58,855,087, C>A. VCF-style: chr20-58855087-C-A. GRCh37 (hg19) VCF-style: chr20-57430142-C-A.
Other names: c.1635C>A, p.Tyr545Ter (NM_001077490.3, NM_001309883.1); c.1822C>A, p.Leu608Ile (NM_001410913.1); c.*42+14201C>A (NM_016592.5); c.43+14201C>A (NM_001410912.1); c.-39+13212C>A (NM_001309861.2); short protein forms Y545*, L608I.
Identifiers: ClinVar variation 4979659 (VCV004979659.1).
Genomic context (GRCh38, chr20:58,855,087, plus strand): 5'-TGCCTCCGCTGGTTTCAGCATCGGCGAAATCGCCGCCGCCGAAAGCCCCAGCGCAACTTA[C>A]TCCGCAACTTTCTCGTGCAAGCCTTCGGGGGCTGCTTCGGTCGATCTGAGAGTCCCCAGC-3'
Protein context (NP_536350.2, residues 598-618): RRRRKPQRNL[Leu608Ile]RNFLVQAFGG

ClinVar aggregate classification (germline): Uncertain significance (1 of 4 stars; one submission).

Conditions:
GNAS-related disorder. Identifiers: MedGen CN380105.

gnomAD v4.1: 2 of 1,613,558 alleles (0.00012%); highest among the groups gnomAD compares: African/African-American, 0.0013%; no homozygotes.

Submission:

PreventionGenetics, part of Exact Sciences
Classification: Uncertain significance for GNAS-related condition. Last evaluated: 2026-02-24. Review status: criteria provided, single submitter. Criteria: ACMG Guidelines, 2015. Collection method: clinical testing. Allele origin: germline.
Comment: The GNAS c.1635C>A variant is predicted to result in premature protein termination (p.Tyr545*). This variant corresponds to a pre-coding position in the primary GNAS transcript (NM_000516.5 c.-36640C>A). To our knowledge, this variant has not been reported in the literature or in a large population database (gnomAD), indicating this variant is rare. To our knowledge, only large deletions in the above region are conclusively pathogenic for pseudohypoparathyroidism type-Ib (PHP-Ib) due to methylation defects (Turan and Bastepe. 2015. PubMed ID: 25851935). Although, in some studies single nucleotide variants (SNVs) within this region have been reported in related diseases, the pathogenicity of these variants is still uncertain (see for example in Table 3 of Long et al. 2018. PubMed ID: 30022773). At this time, the clinical significance of this variant is uncertain due to the absence of conclusive functional and genetic evidence.